The following is an entry in ClinVar:

NM_004304.5(ALK):c.643C>A (p.Leu215Ile)

Gene: ALK (ALK receptor tyrosine kinase; minus strand). Cytogenetic location: 2p23.1.
Variant type: single nucleotide variant.
Coding change: c.643C>A on transcript NM_004304.5 (MANE Select); coding-DNA position 643, C replaced by A.
Protein change: p.Leu215Ile; replaces leucine 215 with isoleucine.
Molecular consequence: missense variant.
Genome position (GRCh38, 1-based): chr2:29,920,017, G>T on the plus strand (C>A on the coding strand, the complement: ALK is on the minus strand). VCF-style: chr2-29920017-G-T. GRCh37 (hg19) VCF-style: chr2-30142883-G-T.
Other names: short protein forms L215I.
Identifiers: ClinVar variation 1714184 (VCV001714184.5), dbSNP rs2465864686, ClinGen allele CA346589631.

ClinVar aggregate classification (germline): Uncertain significance (1 of 4 stars; one submission).

Conditions:
Neuroblastoma, susceptibility to, 3. Also called: ALK-Related Neuroblastic Tumor Susceptibility. Identifiers: Orphanet 635, MedGen C2751681, MONDO:0013083, OMIM 613014.

Submission:

Labcorp Genetics (formerly Invitae), Labcorp
Classification: Uncertain significance for Neuroblastoma, susceptibility to, 3. Last evaluated: 2022-07-29. Review status: criteria provided, single submitter. Criteria: Invitae Variant Classification Sherloc (09022015). Collection method: clinical testing. Allele origin: germline.
Comment: This sequence change replaces leucine, which is neutral and non-polar, with isoleucine, which is neutral and non-polar, at codon 215 of the ALK protein (p.Leu215Ile). This variant is not present in population databases (gnomAD no frequency). This variant has not been reported in the literature in individuals affected with ALK-related conditions. Algorithms developed to predict the effect of missense changes on protein structure and function are either unavailable or do not agree on the potential impact of this missense change (SIFT: "Deleterious"; PolyPhen-2: "Benign"; Align-GVGD: "Class C0"). In summary, the available evidence is currently insufficient to determine the role of this variant in disease. Therefore, it has been classified as a Variant of Uncertain Significance.